The following is an entry in ClinVar:

ClinVar aggregate classification (germline): Likely pathogenic (1 of 4 stars; one submission).

Conditions:
Cardiovascular phenotype. Identifiers: MedGen CN230736.

Submission:

Ambry Genetics
Classification: Likely pathogenic for Cardiovascular phenotype. Last evaluated: 2019-01-04. Review status: criteria provided, single submitter. Criteria: Ambry Variant Classification Scheme 2023. Collection method: clinical testing. Allele origin: germline.
Comment: The p.Q18914* variant (also known as c.56740C>T), located in coding exon 153 of the TTN gene, results from a C to T substitution at nucleotide position 56740. This changes the amino acid from a glutamine to a stop codon within coding exon 153. This exon is located in the A-band region of the N2-B isoform of the titin protein and is constitutively expressed in TTN transcripts (percent spliced in or PSI 100%). While truncating variants in TTN are present in 1-3% of the general population, truncating variants in the A-band are the most common cause of dilated cardiomyopathy (DCM) (Herman DS et al. N. Engl. J. Med. 2012 Feb;366:619-28; Roberts AM et al. Sci Transl Med. 2015 Jan;7:270ra6). TTN truncating variants encoded in constitutive exons (PSI >90%) have been found to be significantly associated with DCM regardless of their position in titin (Schafer S et al. Nat. Genet. 2017 Jan;49:46-53). This alteration is expected to result in loss of function by premature protein truncation or nonsense-mediated mRNA decay. As such, this alteration is classified as likely pathogenic.

NM_001267550.2(TTN):c.83935C>T (p.Gln27979Ter)

Genes: TTN (titin; minus strand), TTN-AS1 (TTN antisense RNA 1; plus strand). Cytogenetic location: 2q31.2.
Variant type: single nucleotide variant.
Coding change: c.83935C>T on transcript NM_001267550.2 (MANE Select); coding-DNA position 83935, C replaced by T.
Protein change: p.Gln27979Ter; replaces glutamine 27979 with a stop codon.
Molecular consequence: nonsense.
Genome position (GRCh38, 1-based): chr2:178,562,197, G>A on the plus strand (C>T on the coding strand, the complement: TTN is on the minus strand). VCF-style: chr2-178562197-G-A. GRCh37 (hg19) VCF-style: chr2-179426924-G-A.
Other names: c.57316C>T, p.Gln19106Ter (NM_133437.4); c.79012C>T, p.Gln26338Ter (NM_001256850.1); c.56740C>T, p.Gln18914Ter (NM_003319.4); c.76231C>T, p.Gln25411Ter (NM_133378.4); c.57115C>T, p.Gln19039Ter (NM_133432.3); short protein forms Q26338*, Q19106*, Q18914*, Q19039*, Q25411*, Q27979*.
Identifiers: ClinVar variation 1748984 (VCV001748984.2), dbSNP rs2469717681, ClinGen allele CA349563529.